The following is an entry in ClinVar:

NM_001378454.1(ALMS1):c.3012del (p.His1005fs)

Gene: ALMS1 (ALMS1 centrosome and basal body associated protein; plus strand). Cytogenetic location: 2p13.1.
Variant type: Deletion.
Coding change: c.3012del on transcript NM_001378454.1 (MANE Select); coding-DNA position 3012, one base deleted (A; older notation c.3012delA).
Protein change: p.His1005fs; shifts the reading frame from histidine 1005.
Molecular consequence: frameshift variant.
Genome position (GRCh38, 1-based): chr2:73,449,539, A deleted. VCF-style (leftmost placement, unchanged base first): chr2-73449538-CA-C. GRCh37 (hg19) VCF-style: chr2-73676665-CA-C.
Other names: c.3015del, p.His1006fs (NM_015120.4); short protein forms H1005fs, H1006fs.
Identifiers: ClinVar variation 1074654 (VCV001074654.7), dbSNP rs2103777336, ClinGen allele CA2499216244.

ClinVar aggregate classification (germline): Pathogenic (1 of 4 stars; one submission).

Conditions:
Alstrom syndrome (ALMS). Identifiers: Orphanet 64, MedGen C0268425, MONDO:0008763, OMIM 203800.

Submission:

Labcorp Genetics (formerly Invitae), Labcorp
Classification: Pathogenic for Alstrom syndrome. Last evaluated: 2025-01-07. Review status: criteria provided, single submitter. Criteria: Invitae Variant Classification Sherloc (09022015). Collection method: clinical testing. Allele origin: germline.
Comment: This sequence change creates a premature translational stop signal (p.His1006Ilefs*23) in the ALMS1 gene. It is expected to result in an absent or disrupted protein product. Loss-of-function variants in ALMS1 are known to be pathogenic (PMID: 17594715). This variant is not present in population databases (gnomAD no frequency). This variant has not been reported in the literature in individuals affected with ALMS1-related conditions. ClinVar contains an entry for this variant (Variation ID: 1074654). For these reasons, this variant has been classified as Pathogenic.

Literature cited by the submitters: PubMed 17594715.